The following is an entry in ClinVar:

ClinVar aggregate classification (germline): Benign. Review status: criteria provided, single submitter (1 of 4 stars). 2 submissions from 2 submitters: Benign (1). 1 of the submissions does not count toward it. Last evaluated 2026-02-02.

Conditions:
DHX37-related disorder. Also called: DHX37-related condition; DHX37-Related Disorders.

Allele frequency attached by ClinVar (database versions not stated): 1000 Genomes Project 30x 0.01437; 1000 Genomes Project 0.01498; TOPMed 0.02078; gnomAD 0.02393; ESP Exome Variant Server 0.02430; ExAC 0.02764; gnomAD exomes 0.03145.

Submissions (2):

Labcorp Genetics (formerly Invitae), Labcorp
Classification: Benign. Last evaluated: 2026-02-02. Review status: criteria provided, single submitter. Criteria: Invitae Variant Classification Sherloc (09022015). Collection method: clinical testing. Allele origin: germline.

PreventionGenetics, part of Exact Sciences
Classification: Benign for DHX37-related condition. Last evaluated: 2019-11-01. Review status: no assertion criteria provided. Collection method: clinical testing. Allele origin: germline. Not counted in ClinVar's aggregate classification.
Comment: This variant is classified as benign based on ACMG/AMP sequence variant interpretation guidelines (Richards et al. 2015 PMID: 25741868, with internal and published modifications).

NM_032656.4(DHX37):c.799G>A (p.Glu267Lys)

Gene: DHX37 (DEAH-box helicase 37; minus strand). Cytogenetic location: 12q24.31.
Variant type: single nucleotide variant.
Coding change: c.799G>A on transcript NM_032656.4 (MANE Select); coding-DNA position 799, G replaced by A.
Protein change: p.Glu267Lys; replaces glutamic acid 267 with lysine.
Molecular consequence: missense variant.
Genome position (GRCh38, 1-based): chr12:124,977,430, C>T on the plus strand (G>A on the coding strand, the complement: DHX37 is on the minus strand). VCF-style: chr12-124977430-C-T. GRCh37 (hg19) VCF-style: chr12-125461976-C-T.
Other names: c.799G>A (NM_032656.3); short protein forms E267K.
Identifiers: ClinVar variation 2038422 (VCV002038422.6), dbSNP rs33931896, ClinGen allele CA6872335.
Genomic context (GRCh38, chr12:124,977,430, plus strand): 5'-GAGGCACCTGTGTGGTCTTCCCGCTGCCGGTCTCACCACACACGATGACGATGGGGTGCT[C>T]GGCCACAGCCTCCATGATTACTTGTTCTTCGGAGAGAATTGGGAGCTTCAGCCGTTCCTC-3'
Protein context (NP_116045.2, residues 257-277): EEQVIMEAVA[Glu267Lys]HPIVIVCGET